The following is an entry in ClinVar:

ClinVar aggregate classification (germline): Likely benign (0 of 4 stars; one submission).

Conditions:
ATAD5-related disorder. Also called: ATAD5-related condition.

Allele frequency attached by ClinVar (database versions not stated): 1000 Genomes Project 30x 0.00047; 1000 Genomes Project 0.00060; TOPMed 0.00192; gnomAD 0.00223; ExAC 0.00278; ESP Exome Variant Server 0.00331; gnomAD exomes 0.00350.

Submission:

PreventionGenetics, part of Exact Sciences
Classification: Likely benign for ATAD5-related condition. Last evaluated: 2020-10-02. Review status: no assertion criteria provided. Collection method: clinical testing. Allele origin: germline.
Comment: This variant is classified as likely benign based on ACMG/AMP sequence variant interpretation guidelines (Richards et al. 2015 PMID: 25741868, with internal and published modifications).

NM_024857.5(ATAD5):c.418G>A (p.Asp140Asn)

Gene: ATAD5 (ATPase family AAA domain containing 5; plus strand). Cytogenetic location: 17q11.2.
Variant type: single nucleotide variant.
Coding change: c.418G>A on transcript NM_024857.5 (MANE Select); coding-DNA position 418, G replaced by A.
Protein change: p.Asp140Asn; replaces aspartic acid 140 with asparagine.
Molecular consequence: missense variant.
Genome position (GRCh38, 1-based): chr17:30,834,499, G>A. VCF-style: chr17-30834499-G-A. GRCh37 (hg19) VCF-style: chr17-29161517-G-A.
Other names: short protein forms D140N.
Identifiers: ClinVar variation 3043100 (VCV003043100.2), dbSNP rs147909444, ClinGen allele CA8483478.